The following is an entry in ClinVar:

ClinVar aggregate classification (germline): Uncertain significance. Review status: criteria provided, multiple submitters, no conflicts (2 of 4 stars). 2 submissions from 2 submitters: Uncertain significance (2). Last evaluated 2024-04-16.

Conditions:
Charcot-Marie-Tooth disease axonal type 2O. Also called: Charcot-Marie-Tooth disease, axonal, type 20; CHARCOT-MARIE-TOOTH NEUROPATHY, AXONAL, TYPE 2O; CHARCOT-MARIE-TOOTH DISEASE, AXONAL, AUTOSOMAL DOMINANT, TYPE 2O; Charcot-Marie-Tooth Neuropathy Type 2O. Identifiers: Orphanet 284232, MedGen C3280220, MONDO:0013644, OMIM 614228.

Allele frequency attached by ClinVar (database versions not stated): TOPMed below 0.00001.

Submissions (2):

GeneDx
Classification: Uncertain significance. Last evaluated: 2024-04-16. Review status: criteria provided, single submitter. Criteria: GeneDx Variant Classification Process June 2021. Collection method: clinical testing. Allele origin: germline. Affected: yes.
Comment: Not observed at significant frequency in large population cohorts (gnomAD); In silico analysis indicates that this missense variant does not alter protein structure/function; Has not been previously published as pathogenic or benign to our knowledge

Labcorp Genetics (formerly Invitae), Labcorp
Classification: Uncertain significance for Charcot-Marie-Tooth disease axonal type 2O. Last evaluated: 2022-10-14. Review status: criteria provided, single submitter. Criteria: Invitae Variant Classification Sherloc (09022015). Collection method: clinical testing. Allele origin: germline.
Comment: In summary, the available evidence is currently insufficient to determine the role of this variant in disease. Therefore, it has been classified as a Variant of Uncertain Significance. Advanced modeling of protein sequence and biophysical properties (such as structural, functional, and spatial information, amino acid conservation, physicochemical variation, residue mobility, and thermodynamic stability) performed at Invitae indicates that this missense variant is not expected to disrupt DYNC1H1 protein function. This variant has not been reported in the literature in individuals affected with DYNC1H1-related conditions. This variant is not present in population databases (gnomAD no frequency). This sequence change replaces alanine, which is neutral and non-polar, with serine, which is neutral and polar, at codon 51 of the DYNC1H1 protein (p.Ala51Ser).

NM_001376.5(DYNC1H1):c.151G>T (p.Ala51Ser)

Gene: DYNC1H1 (dynein cytoplasmic 1 heavy chain 1; plus strand). Cytogenetic location: 14q32.31.
Variant type: single nucleotide variant.
Coding change: c.151G>T on transcript NM_001376.5 (MANE Select); coding-DNA position 151, G replaced by T.
Protein change: p.Ala51Ser; replaces alanine 51 with serine.
Molecular consequence: missense variant.
Genome position (GRCh38, 1-based): chr14:101,964,842, G>T. VCF-style: chr14-101964842-G-T. GRCh37 (hg19) VCF-style: chr14-102431179-G-T.
Other names: short protein forms A51S.
Identifiers: ClinVar variation 1932306 (VCV001932306.6), dbSNP rs1805872242, ClinGen allele CA391003465.